The following is an entry in ClinVar:

NM_015335.5(MED13L):c.5817C>T (p.Ala1939=)

Gene: MED13L (mediator complex subunit 13L; minus strand). Cytogenetic location: 12q24.21.
Variant type: single nucleotide variant.
Coding change: c.5817C>T on transcript NM_015335.5 (MANE Select); coding-DNA position 5817, C replaced by T.
Protein change: p.Ala1939=; no amino-acid change (alanine 1939 retained).
Molecular consequence: synonymous variant.
Genome position (GRCh38, 1-based): chr12:115,972,151, G>A on the plus strand (C>T on the coding strand, the complement: MED13L is on the minus strand). VCF-style: chr12-115972151-G-A. GRCh37 (hg19) VCF-style: chr12-116409956-G-A.
Identifiers: ClinVar variation 2164394 (VCV002164394.28), dbSNP rs781200403, ClinGen allele CA6810501.

ClinVar aggregate classification (germline): Likely benign. Review status: criteria provided, multiple submitters, no conflicts (2 of 4 stars). 2 submissions from 2 submitters: Likely benign (2). Last evaluated 2022-05-01.

Conditions:
Dextro-looped transposition of the great arteries. Also called: Dextrotransposition of the great arteries. Identifiers: Orphanet 860, MedGen C3531771, MONDO:0019443, OMIM 608808, HP:0031348.

Allele frequency attached by ClinVar (database versions not stated): gnomAD 0.00002; TOPMed 0.00003.
gnomAD v4.1: 116 of 1,613,836 alleles (0.0072%); highest among the groups gnomAD compares: Non-Finnish European, 0.0086%; no homozygotes.

Submissions (2):

CeGaT Center for Human Genetics Tuebingen
Classification: Likely benign. Last evaluated: 2022-05-01. Review status: criteria provided, single submitter. Criteria: CeGaT Center For Human Genetics Tuebingen Variant Classification Criteria Version 2. Collection method: clinical testing. Allele origin: germline. Affected: yes. Observed: 1 variant allele.
Comment: MED13L: BP4, BP7

Labcorp Genetics (formerly Invitae), Labcorp
Classification: Likely benign for Dextro-looped transposition of the great arteries. Last evaluated: 2019-04-17. Review status: criteria provided, single submitter. Criteria: Invitae Variant Classification Sherloc (09022015). Collection method: clinical testing. Allele origin: germline.